The following is an entry in ClinVar:

NM_001845.6(COL4A1):c.4271C>T (p.Pro1424Leu)

Gene: COL4A1 (collagen type IV alpha 1 chain; minus strand). Cytogenetic location: 13q34.
Variant type: single nucleotide variant.
Coding change: c.4271C>T on transcript NM_001845.6 (MANE Select); coding-DNA position 4271, C replaced by T.
Protein change: p.Pro1424Leu; replaces proline 1424 with leucine.
Molecular consequence: missense variant.
Genome position (GRCh38, 1-based): chr13:110,162,421, G>A on the plus strand (C>T on the coding strand, the complement: COL4A1 is on the minus strand). VCF-style: chr13-110162421-G-A. GRCh37 (hg19) VCF-style: chr13-110814768-G-A.
Other names: c.4271C>T (NM_001845.5); short protein forms P1424L.
Identifiers: ClinVar variation 311024 (VCV000311024.15), dbSNP rs760889798, ClinGen allele CA7046965.

ClinVar aggregate classification (germline): Conflicting classifications of pathogenicity. Review status: criteria provided, conflicting classifications (1 of 4 stars). 5 submissions from 4 submitters: Uncertain significance (3); Likely benign (2). Last evaluated 2026-01-26.

Conditions:
Brain small vessel disease 1 with or without ocular anomalies (BSVD1). Also called: GOULD SYNDROME 1; PORENCEPHALY, TYPE 1, AUTOSOMAL DOMINANT; BRAIN SMALL VESSEL DISEASE WITH HEMORRHAGE; Brain small vessel disease with or without ocular anomalies. Identifiers: Orphanet 2940, Orphanet 36383, Orphanet 99810, MedGen C4755307, MONDO:0008289, OMIM 175780.
Inborn genetic diseases. Identifiers: MedGen C0950123, MeSH D030342.
COL4A1-related disorder. Also called: COL4A1-related condition; COL4A1-related disorders. Identifiers: MedGen CN376119, MONDO:0800461.
Autosomal dominant familial hematuria-retinal arteriolar tortuosity-contractures syndrome. Also called: Angiopathy, hereditary, with nephropathy, aneurysms, and muscle cramps; Hereditary Angiopathy with Nephropathy, Aneurysms, and Muscle Cramps (HANAC) Syndrome. Identifiers: Orphanet 73229, MedGen C2673195, MONDO:0012726, OMIM 611773.

Allele frequency attached by ClinVar (database versions not stated): TOPMed 0.00002; gnomAD exomes 0.00007 and 0.00002; gnomAD 0.00001; ExAC 0.00002.
gnomAD v4.1: 100 of 1,613,948 alleles (0.0062%); highest among the groups gnomAD compares: Non-Finnish European, 0.0082%; no homozygotes.

Submissions (5):

Labcorp Genetics (formerly Invitae), Labcorp
Classification: Uncertain significance. Last evaluated: 2026-01-26. Review status: criteria provided, single submitter. Criteria: Invitae Variant Classification Sherloc (09022015). Collection method: clinical testing. Allele origin: germline.
Comment: This sequence change replaces proline, which is neutral and non-polar, with leucine, which is neutral and non-polar, at codon 1424 of the COL4A1 protein (p.Pro1424Leu). This variant is present in population databases (rs760889798, gnomAD 0.004%). This variant has not been reported in the literature in individuals affected with COL4A1-related conditions. ClinVar contains an entry for this variant (Variation ID: 311024). Invitae Evidence Modeling of protein sequence and biophysical properties (such as structural, functional, and spatial information, amino acid conservation, physicochemical variation, residue mobility, and thermodynamic stability) indicates that this missense variant is not expected to disrupt COL4A1 protein function with a negative predictive value of 95%. In summary, the available evidence is currently insufficient to determine the role of this variant in disease. Therefore, it has been classified as a Variant of Uncertain Significance.

PreventionGenetics, part of Exact Sciences
Classification: Uncertain significance for COL4A1-related condition. Last evaluated: 2025-12-24. Review status: criteria provided, single submitter. Criteria: ACMG Guidelines, 2015. Collection method: clinical testing. Allele origin: germline.
Comment: The COL4A1 c.4271C>T variant is predicted to result in the amino acid substitution p.Pro1424Leu. To our knowledge, this variant has not been reported in the literature. This variant is reported in 0.0039% of alleles in individuals of European (Non-Finnish) descent in gnomAD. At this time, the clinical significance of this variant is uncertain due to the absence of conclusive functional and genetic evidence.

Ambry Genetics
Classification: Uncertain significance for Inborn genetic diseases. Last evaluated: 2024-07-11. Review status: criteria provided, single submitter. Criteria: Ambry Variant Classification Scheme 2023. Collection method: clinical testing. Allele origin: germline.

Illumina Laboratory Services, Illumina
Classification: Likely benign for Brain small vessel disease 1 with or without ocular anomalies. Last evaluated: 2018-01-13. Review status: criteria provided, single submitter. Criteria: ICSL Variant Classification Criteria 13 December 2019. Collection method: clinical testing. Allele origin: germline.
Comment: This variant was observed in the ICSL laboratory as part of a predisposition screen in an ostensibly healthy population. It had not been previously curated by ICSL or reported in the Human Gene Mutation Database (HGMD: prior to June 1st, 2018), and was therefore a candidate for classification through an automated scoring system. Utilizing variant allele frequency, disease prevalence and penetrance estimates, and inheritance mode, an automated score was calculated to assess if this variant is too frequent to cause the disease. Based on the score and internal cut-off values, a variant classified as likely benign is not then subjected to further curation. The score for this variant resulted in a classification of likely benign for this disease.

Illumina Laboratory Services, Illumina
Classification: Likely benign for Autosomal dominant familial hematuria-retinal arteriolar tortuosity-contractures syndrome. Last evaluated: 2018-01-13. Review status: criteria provided, single submitter. Criteria: ICSL Variant Classification Criteria 13 December 2019. Collection method: clinical testing. Allele origin: germline.
Comment: the same text as in the submission from Illumina Laboratory Services, Illumina above.